The following is an entry in ClinVar:

NM_000352.6(ABCC8):c.1817+2T>C

Gene: ABCC8 (ATP binding cassette subfamily C member 8; minus strand). Cytogenetic location: 11p15.1.
Variant type: single nucleotide variant.
Coding change: c.1817+2T>C on transcript NM_000352.6 (MANE Select); the canonical splice donor site of the intron after coding-DNA position 1817, T replaced by C.
Molecular consequence: splice donor variant.
Genome position (GRCh38, 1-based): chr11:17,430,812, A>G on the plus strand (T>C on the coding strand, the complement: ABCC8 is on the minus strand). VCF-style: chr11-17430812-A-G. GRCh37 (hg19) VCF-style: chr11-17452359-A-G.
Other names: NM_001287174.3:c.1817+2T>C; c.1814+2T>C (NM_001351297.2, NM_001351296.2); c.1817+2T>C (NM_001351295.2, NM_001287174.3).
Identifiers: ClinVar variation 2137019 (VCV002137019.5), dbSNP rs772723050, ClinGen allele CA5903450.

ClinVar aggregate classification (germline): Pathogenic/Likely pathogenic. Review status: criteria provided, multiple submitters, no conflicts (2 of 4 stars). 2 submissions from 2 submitters: Pathogenic (1); Likely pathogenic (1). Last evaluated 2023-08-16.

Conditions:
Hyperinsulinemic hypoglycemia, familial, 1 (HHF1). Also called: Persistent hyperinsulinemic hypoglycemia of infancy; NESIDIOBLASTOSIS OF PANCREAS; HYPOGLYCEMIA, HYPERINSULINEMIC, OF INFANCY; HYPERINSULINISM, FAMILIAL, WITH PANCREATIC NESIDIOBLASTOSIS; Persistent Hyperinsulinemia Hypoglycemia of Infancy. Identifiers: Orphanet 276575, Orphanet 276598, MedGen C2931832, MONDO:0009734, OMIM 256450.

Allele frequency attached by ClinVar (database versions not stated): gnomAD exomes below 0.00001; ExAC 0.00001.
gnomAD v4.1: 1 of 1,613,988 alleles (0.000062%); highest among the groups gnomAD compares: Non-Finnish European, 0.000085%; no homozygotes.

Submissions (2):

Broad Center for Mendelian Genomics, Broad Institute of MIT and Harvard
Classification: Likely pathogenic for Hyperinsulinemic hypoglycemia, familial, 1. Last evaluated: 2023-08-16. Review status: criteria provided, single submitter. Criteria: ACMG Guidelines, 2015. Collection method: curation. Allele origin: germline. Inheritance: Autosomal recessive inheritance.
Comment: The c.1817+2T>C variant in ABCC8 has been reported in 1 individual with hyperinsulinemic hypoglycemia (PMID: 28442472), and has been identified in 0.0009% (1/113742) of European (non-Finnish) chromosomes by the Genome Aggregation Database (gnomAD; dbSNP ID: rs772723050). Although this variant has been seen in the general population in a heterozygous state, its frequency is low enough to be consistent with a recessive carrier frequency. This variant is located in the 3' splice region. SpliceAI predictions indicate use of an out-of-frame cryptic splice site 5 bases from the intron-exon boundary, providing evidence that this variant may cause a frameshift and lead to a premature termination codon downstream. This alteration is then predicted to lead to a truncated or absent protein. However, this information is not predictive enough to determine pathogenicity. Loss of function of the ABCC8 gene is an established disease mechanism in autosomal recessive hyperinsulinemic hypoglycemia. In summary, although additional studies are required to fully establish its clinical significance, this variant is likely pathogenic for autosomal recessive hyperinsulinemic hypoglycemia. ACMG/AMP Criteria applied: PM2, PVS1 (Richards 2015).

Labcorp Genetics (formerly Invitae), Labcorp
Classification: Pathogenic. Last evaluated: 2022-01-15. Review status: criteria provided, single submitter. Criteria: Invitae Variant Classification Sherloc (09022015). Collection method: clinical testing. Allele origin: germline.
Comment: For these reasons, this variant has been classified as Pathogenic. This sequence change affects a donor splice site in intron 12 of the ABCC8 gene. It is expected to disrupt RNA splicing. Variants that disrupt the donor or acceptor splice site typically lead to a loss of protein function (PMID: 16199547), and loss-of-function variants in ABCC8 are known to be pathogenic (PMID: 20685672, 23345197). This variant is present in population databases (rs772723050, gnomAD 0.0009%). Disruption of this splice site has been observed in individual(s) with autosomal recessive diffuse hyperinsulinism (PMID: 28442472). In at least one individual the data is consistent with being in trans (on the opposite chromosome) from a pathogenic variant. Algorithms developed to predict the effect of sequence changes on RNA splicing suggest that this variant may disrupt the consensus splice site.

Literature cited by the submitters: PubMed 16199547 (cited by Labcorp Genetics (formerly Invitae), Labcorp); PubMed 20685672 (cited by Labcorp Genetics (formerly Invitae), Labcorp); PubMed 23345197 (cited by Labcorp Genetics (formerly Invitae), Labcorp); PubMed 28442472 (cited by Labcorp Genetics (formerly Invitae), Labcorp).